The following is an entry in ClinVar:

NM_001367873.1(SOX6):c.1217A>G (p.Glu406Gly)

Gene: SOX6 (SRY-box transcription factor 6; minus strand). Cytogenetic location: 11p15.2.
Variant type: single nucleotide variant.
Coding change: c.1217A>G on transcript NM_001367873.1 (MANE Select); coding-DNA position 1217, A replaced by G.
Protein change: p.Glu406Gly; replaces glutamic acid 406 with glycine.
Molecular consequence: missense variant.
Genome position (GRCh38, 1-based): chr11:16,055,786, T>C on the plus strand (A>G on the coding strand, the complement: SOX6 is on the minus strand). VCF-style: chr11-16055786-T-C. GRCh37 (hg19) VCF-style: chr11-16077332-T-C.
Other names: c.1094A>G, p.Glu365Gly (NM_001145811.2, NM_001367872.1, NM_017508.3); c.1217A>G, p.Glu406Gly (NM_001145819.2, NM_033326.3); short protein forms E365G, E406G.
Identifiers: ClinVar variation 2573632 (VCV002573632.1), dbSNP rs2494155417, ClinGen allele CA379877021.

ClinVar aggregate classification (germline): Uncertain significance (1 of 4 stars; one submission).

Submission:

Women's Health and Genetics/Laboratory Corporation of America, LabCorp
Classification: Uncertain significance. Last evaluated: 2023-06-23. Review status: criteria provided, single submitter. Criteria: LabCorp Variant Classification Summary - May 2015. Collection method: clinical testing. Allele origin: germline.
Comment: Variant summary: SOX6 c.1217A>G (p.Glu406Gly) results in a non-conservative amino acid change in the encoded protein sequence. Three of five in-silico tools predict a damaging effect of the variant on protein function. The variant was absent in 251210 control chromosomes. The available data on variant occurrences in the general population are insufficient to allow any conclusion about variant significance. To our knowledge, no occurrence of c.1217A>G in individuals affected with Tolchin-Le Caignec Syndrome and no experimental evidence demonstrating its impact on protein function have been reported. No submitters have cited clinical-significance assessments for this variant to ClinVar after 2014. Based on the evidence outlined above, the variant was classified as uncertain significance.